The following is an entry in ClinVar:

NM_000257.4(MYH7):c.2284A>G (p.Lys762Glu)

Gene: MYH7 (myosin heavy chain 7; minus strand). Cytogenetic location: 14q11.2.
Variant type: single nucleotide variant.
Coding change: c.2284A>G on transcript NM_000257.4 (MANE Select); coding-DNA position 2284, A replaced by G.
Protein change: p.Lys762Glu; replaces lysine 762 with glutamic acid.
Molecular consequence: missense variant.
Genome position (GRCh38, 1-based): chr14:23,425,697, T>C on the plus strand (A>G on the coding strand, the complement: MYH7 is on the minus strand). VCF-style: chr14-23425697-T-C. GRCh37 (hg19) VCF-style: chr14-23894906-T-C.
Other names: c.2284A>G, p.Lys762Glu (NM_001407004.1); short protein forms K762E.
Identifiers: ClinVar variation 1788986 (VCV001788986.5), dbSNP rs2502287866, ClinGen allele CA389048742.
Genomic context (GRCh38, chr14:23,425,697, plus strand): 5'-CAGAGGAGTCAATGGAAAAGAGATGTCTTCCTTTAATTAATTAGTCTCCTTTCCTCACCT[T>C]GGTGTGGCCAAACTTGTACTGGTTGTGATCAATGTCCAGGGAGCTGAGCAGCTTCTCTGC-3'
Protein context (NP_000248.2, residues 752-772): DHNQYKFGHT[Lys762Glu]VFFKAGLLGL

ClinVar aggregate classification (germline): Conflicting classifications of pathogenicity. Review status: criteria provided, conflicting classifications (1 of 4 stars). 2 submissions from 2 submitters: Likely pathogenic (1); Uncertain significance (1). Last evaluated 2026-01-14.

Conditions:
Cardiovascular phenotype. Identifiers: MedGen CN230736.

Submissions (2):

Ambry Genetics
Classification: Uncertain significance for Cardiovascular phenotype. Last evaluated: 2026-01-14. Review status: criteria provided, single submitter. Criteria: Ambry Variant Classification Scheme 2023. Collection method: clinical testing. Allele origin: germline.
Comment: The p.K762E variant (also known as c.2284A>G), located in coding exon 18 of the MYH7 gene, results from an A to G substitution at nucleotide position 2284. The lysine at codon 762 is replaced by glutamic acid, an amino acid with similar properties. This variant was reported in individual(s) with features consistent with dilated cardiomyopathy (Trakmulkichkarn T et al. Ultrasound Obstet Gynecol, 2022 Mar;59:325-334). This alteration is located in the myosin head domain, which contains a statistically significant clustering of pathogenic missense variants (Homburger JR et al. Proc Natl Acad Sci U S A, 2016 06;113:6701-6; Walsh R et al. Genet Med, 2017 02;19:192-203; Ambry internal data). This amino acid position is highly conserved in available vertebrate species. In addition, this alteration is predicted to be deleterious by in silico analysis. Based on the available evidence, the clinical significance of this variant remains unclear.

GeneDx
Classification: Likely pathogenic. Last evaluated: 2025-06-08. Review status: criteria provided, single submitter. Criteria: GeneDx Variant Classification Process June 2021. Collection method: clinical testing. Allele origin: germline.
Comment: Identified in patients with MYH7-related cardiomyopathy referred for genetic testing at GeneDx and in published literature (PMID: 34159662); Not observed at significant frequency in large population cohorts (gnomAD); In silico analysis supports that this missense variant has a deleterious effect on protein structure/function; This variant is associated with the following publications: (PMID: 34159662, 29300372, 27532257)

Literature cited by the submitters: PubMed 34159662 (cited by Ambry Genetics).